The following is an entry in ClinVar:

ClinVar aggregate classification (germline): Conflicting classifications of pathogenicity. Review status: criteria provided, conflicting classifications (1 of 4 stars). 8 submissions from 8 submitters: Uncertain significance (5); Benign (1); Likely benign (1). 1 of the submissions does not count toward it. Last evaluated 2025-12-23.

Conditions:
Breast-ovarian cancer, familial, susceptibility to, 3. Also called: RAD51C-Related Breast/Ovarian Cancer. Identifiers: Orphanet 145, MedGen C3150659, MONDO:0013253, OMIM 613399.
Fanconi anemia complementation group O. Also called: RAD51C-Related Fanconi Anemia. Identifiers: Orphanet 84, MedGen C3150653, MONDO:0013248, OMIM 613390.
Hereditary cancer-predisposing syndrome. Also called: Tumor predisposition; Hereditary Cancer Syndrome; Hereditary neoplastic syndrome; Neoplastic Syndromes, Hereditary. Identifiers: Orphanet 140162, MedGen C0027672, MeSH D009386, MONDO:0015356.

Allele frequency attached by ClinVar (database versions not stated): TOPMed below 0.00001; gnomAD 0.00001.
gnomAD v4.1: 16 of 1,612,800 alleles (0.00099%); highest among the groups gnomAD compares: African/African-American, 0.0013%; no homozygotes.

Submissions (8):

Labcorp Genetics (formerly Invitae), Labcorp
Classification: Uncertain significance for Fanconi anemia complementation group O. Last evaluated: 2025-12-23. Review status: criteria provided, single submitter. Criteria: Invitae Variant Classification Sherloc (09022015). Collection method: clinical testing. Allele origin: germline.
Comment: This sequence change replaces isoleucine, which is neutral and non-polar, with leucine, which is neutral and non-polar, at codon 52 of the RAD51C protein (p.Ile52Leu). This variant is not present in population databases (gnomAD no frequency). This variant has not been reported in the literature in individuals affected with RAD51C-related conditions. ClinVar contains an entry for this variant (Variation ID: 182830). Invitae Evidence Modeling of protein sequence and biophysical properties (such as structural, functional, and spatial information, amino acid conservation, physicochemical variation, residue mobility, and thermodynamic stability) indicates that this missense variant is not expected to disrupt RAD51C protein function with a negative predictive value of 80%. In summary, the available evidence is currently insufficient to determine the role of this variant in disease. Therefore, it has been classified as a Variant of Uncertain Significance.

Ambry Genetics
Classification: Benign for Hereditary cancer-predisposing syndrome. Last evaluated: 2025-10-08. Review status: criteria provided, single submitter. Criteria: Ambry Variant Classification Scheme 2023. Collection method: clinical testing. Allele origin: germline.

Myriad Genetics, Inc.
Classification: Likely benign for Breast-ovarian cancer, familial, susceptibility to, 3. Last evaluated: 2025-02-14. Review status: criteria provided, single submitter. Criteria: Myriad Autosomal Dominant, Autosomal Recessive and X-Linked Classification Criteria (2023). Collection method: clinical testing. Allele origin: unknown.
Comment: This variant is considered likely benign. This variant is strongly associated with less severe personal and family histories of cancer, typical for individuals without pathogenic variants in this gene [PMID: 25085752].

GeneDx
Classification: Uncertain significance. Last evaluated: 2024-10-07. Review status: criteria provided, single submitter. Criteria: GeneDx Variant Classification Process June 2021. Collection method: clinical testing. Allele origin: germline. Affected: yes.
Comment: Observed in 1 out of 427 cancer-free control subjects but was not found among 1,655 women with a personal history of breast and/or ovarian cancer (PMID: 21990120); In silico analysis indicates that this missense variant does not alter protein structure/function; Not observed at significant frequency in large population cohorts (gnomAD); This variant is associated with the following publications: (PMID: 21990120)

Color Diagnostics, LLC DBA Color Health
Classification: Uncertain significance for Hereditary cancer-predisposing syndrome. Last evaluated: 2024-03-26. Review status: criteria provided, single submitter. Criteria: ACMG Guidelines, 2015. Collection method: clinical testing. Allele origin: germline.
Comment: This missense variant replaces isoleucine with leucine at codon 52 of the RAD51C protein. Computational prediction suggests that this variant may not impact protein structure and function. To our knowledge, functional studies have not been reported for this variant. This variant has not been reported in individuals affected with RAD51C-related disorders in the literature and has been observed in one individual in a control group (PMID: 21990120). This variant has not been identified in the general population by the Genome Aggregation Database (gnomAD). The available evidence is insufficient to determine the role of this variant in disease conclusively. Therefore, this variant is classified as a Variant of Uncertain Significance.

Baylor Genetics
Classification: Uncertain significance for Breast-ovarian cancer, familial, susceptibility to, 3. Last evaluated: 2024-03-21. Review status: criteria provided, single submitter. Criteria: ACMG Guidelines, 2015. Collection method: clinical testing. Allele origin: unknown.

Fulgent Genetics
Classification: Uncertain significance for Fanconi anemia complementation group O; Breast-ovarian cancer, familial, susceptibility to, 3. Last evaluated: 2023-12-29. Review status: criteria provided, single submitter. Criteria: ACMG Guidelines, 2015. Collection method: clinical testing. Allele origin: germline.

Leiden Open Variation Database
Classification: Likely benign. Last evaluated: 2011-08-25. Review status: no assertion criteria provided. Collection method: curation. Allele origin: germline. Affected: yes. Not counted in ClinVar's aggregate classification.
Comment: Curator: Arleen D. Auerbach. Submitter to LOVD: Ian Campbell.

Literature cited by the submitters: PubMed 25085752 (cited by Myriad Genetics, Inc.); PubMed 21990120 (cited by Color Diagnostics, LLC DBA Color Health and Leiden Open Variation Database).

NM_058216.3(RAD51C):c.154A>C (p.Ile52Leu)

Gene: RAD51C (RAD51 paralog C; plus strand). Cytogenetic location: 17q22.
Variant type: single nucleotide variant.
Coding change: c.154A>C on transcript NM_058216.3 (MANE Select); coding-DNA position 154, A replaced by C.
Protein change: p.Ile52Leu; replaces isoleucine 52 with leucine.
Molecular consequence: missense variant. On other transcripts: non-coding transcript variant (2).
Genome position (GRCh38, 1-based): chr17:58,694,939, A>C. VCF-style: chr17-58694939-A-C. GRCh37 (hg19) VCF-style: chr17-56772300-A-C.
Other names: p.I52L:ATA>CTA; c.154A>C, p.Ile52Leu (NM_002876.4); short protein forms I52L.
Identifiers: ClinVar variation 182830 (VCV000182830.30), dbSNP rs730881927, ClinGen allele CA299870.